The following is an entry in ClinVar:

ClinVar aggregate classification (germline): Pathogenic (1 of 4 stars; one submission).

Conditions:
DICER1-related tumor predisposition. Also called: DICER1-related pleuropulmonary blastoma cancer predisposition syndrome; DICER1 syndrome. Identifiers: Orphanet 284343, MedGen C3839822, MONDO:0100216.

Submission:

Labcorp Genetics (formerly Invitae), Labcorp
Classification: Pathogenic for DICER1-related tumor predisposition. Last evaluated: 2023-09-12. Review status: criteria provided, single submitter. Criteria: Invitae Variant Classification Sherloc (09022015). Collection method: clinical testing. Allele origin: germline.
Comment: This sequence change creates a premature translational stop signal (p.Val1761Cysfs*4) in the DICER1 gene. It is expected to result in an absent or disrupted protein product. Loss-of-function variants in DICER1 are known to be pathogenic (PMID: 19556464, 21266384). This variant is not present in population databases (gnomAD no frequency). This variant has not been reported in the literature in individuals affected with DICER1-related conditions. For these reasons, this variant has been classified as Pathogenic.

Literature cited by the submitters: PubMed 19556464; PubMed 21266384.

NM_177438.3(DICER1):c.5280dup (p.Val1761fs)

Gene: DICER1 (dicer 1, ribonuclease III; minus strand). Cytogenetic location: 14q32.13.
Variant type: Duplication.
Coding change: c.5280dup on transcript NM_177438.3 (MANE Select); coding-DNA position 5280, one base duplicated (T; older notation c.5280dupT).
Protein change: p.Val1761fs; shifts the reading frame from valine 1761.
Molecular consequence: frameshift variant. On other transcripts: non-coding transcript variant (6).
Genome position (GRCh38, 1-based): chr14:95,093,972, A duplicated on the plus strand (T on the coding strand, the reverse complement: DICER1 is on the minus strand). VCF-style (leftmost placement, unchanged base first): chr14-95093971-C-CA. GRCh37 (hg19) VCF-style: chr14-95560308-C-CA.
Other names: c.4875dup, p.Val1626fs (NM_001395687.1, NM_001395688.1, NM_001395689.1 and 1 more transcripts); c.5280dup, p.Val1761fs (NM_001395678.1, NM_001395679.1, NM_030621.4 and 8 more transcripts); c.4713dup, p.Val1572fs (NM_001395691.1); c.3597dup, p.Val1200fs (NM_001395697.1); c.5280dup, p.Val1761Cysfs (NM_001395681.1); c.4998dup, p.Val1667fs (NM_001395686.1); short protein forms V1572fs, V1626fs, V1667fs, V1200fs, V1761fs.
Identifiers: ClinVar variation 2760198 (VCV002760198.3), dbSNP rs2542440450, ClinGen allele CA2697554151.